The following is an entry in ClinVar:

NM_000428.3(LTBP2):c.3386T>C (p.Leu1129Pro)

Gene: LTBP2 (latent transforming growth factor beta binding protein 2; minus strand). Cytogenetic location: 14q24.3.
Variant type: single nucleotide variant.
Coding change: c.3386T>C on transcript NM_000428.3 (MANE Select); coding-DNA position 3386, T replaced by C.
Protein change: p.Leu1129Pro; replaces leucine 1129 with proline.
Molecular consequence: missense variant.
Genome position (GRCh38, 1-based): chr14:74,509,255, A>G on the plus strand (T>C on the coding strand, the complement: LTBP2 is on the minus strand). VCF-style: chr14-74509255-A-G. GRCh37 (hg19) VCF-style: chr14-74975958-A-G.
Other names: short protein forms L1129P.
Identifiers: ClinVar variation 2413255 (VCV002413255.5), dbSNP rs2087036794, ClinGen allele CA390389146.

ClinVar aggregate classification (germline): Uncertain significance (1 of 4 stars; one submission).

Submission:

Labcorp Genetics (formerly Invitae), Labcorp
Classification: Uncertain significance. Last evaluated: 2022-07-25. Review status: criteria provided, single submitter. Criteria: Invitae Variant Classification Sherloc (09022015). Collection method: clinical testing. Allele origin: germline.
Comment: This sequence change replaces leucine, which is neutral and non-polar, with proline, which is neutral and non-polar, at codon 1129 of the LTBP2 protein (p.Leu1129Pro). In summary, the available evidence is currently insufficient to determine the role of this variant in disease. Therefore, it has been classified as a Variant of Uncertain Significance. Algorithms developed to predict the effect of missense changes on protein structure and function (SIFT, PolyPhen-2, Align-GVGD) all suggest that this variant is likely to be disruptive. This variant has not been reported in the literature in individuals affected with LTBP2-related conditions. This variant is not present in population databases (gnomAD no frequency).